The following is an entry in ClinVar:

ClinVar aggregate classification (germline): Uncertain significance (1 of 4 stars; one submission).

Conditions:
Inborn genetic diseases. Identifiers: MedGen C0950123, MeSH D030342.

Allele frequency attached by ClinVar (database versions not stated): TOPMed below 0.00001; gnomAD 0.00001; gnomAD exomes 0.00001.

Submission:

Ambry Genetics
Classification: Uncertain significance for Inborn genetic diseases. Last evaluated: 2019-09-17. Review status: criteria provided, single submitter. Criteria: Ambry Variant Classification Scheme 2023. Collection method: clinical testing. Allele origin: germline.
Comment: The p.G519S variant (also known as c.1555G>A), located in coding exon 13 of the ATL3 gene, results from a G to A substitution at nucleotide position 1555. The glycine at codon 519 is replaced by serine, an amino acid with similar properties. This amino acid position is not well conserved in available vertebrate species. In addition, this alteration is predicted to be tolerated by in silico analysis. Since supporting evidence is limited at this time, the clinical significance of this alteration remains unclear.

NM_015459.5(ATL3):c.1555G>A (p.Gly519Ser)

Genes: ATL3 (atlastin GTPase 3; minus strand), LNCROPM (lncRNA regulator of PLAAT3 mediated phospholipid metabolism; plus strand). Cytogenetic location: 11q13.1.
Variant type: single nucleotide variant.
Coding change: c.1555G>A on transcript NM_015459.5 (MANE Select); coding-DNA position 1555, G replaced by A.
Protein change: p.Gly519Ser; replaces glycine 519 with serine.
Molecular consequence: missense variant.
Genome position (GRCh38, 1-based): chr11:63,629,390, C>T on the plus strand (G>A on the coding strand, the complement: ATL3 is on the minus strand). VCF-style: chr11-63629390-C-T. GRCh37 (hg19) VCF-style: chr11-63396862-C-T.
Other names: c.1501G>A, p.Gly501Ser (NM_001290048.2); short protein forms G501S, G519S.
Identifiers: ClinVar variation 1775145 (VCV001775145.2), dbSNP rs1939230566, ClinGen allele CA381023950.